The following is an entry in ClinVar:

NM_004360.5(CDH1):c.2186T>C (p.Leu729Pro)

Gene: CDH1 (cadherin 1; plus strand). Cytogenetic location: 16q22.1.
Variant type: single nucleotide variant.
Coding change: c.2186T>C on transcript NM_004360.5 (MANE Select); coding-DNA position 2186, T replaced by C.
Protein change: p.Leu729Pro; replaces leucine 729 with proline.
Molecular consequence: missense variant.
Genome position (GRCh38, 1-based): chr16:68,828,195, T>C. VCF-style: chr16-68828195-T-C. GRCh37 (hg19) VCF-style: chr16-68862098-T-C.
Other names: c.2186T>C (LRG_301t1); c.2003T>C, p.Leu668Pro (NM_001317184.2); c.638T>C, p.Leu213Pro (NM_001317185.2); c.221T>C, p.Leu74Pro (NM_001317186.2); short protein forms L729P, L74P, L213P, L668P.
Identifiers: ClinVar variation 576730 (VCV000576730.11), dbSNP rs1567515336, ClinGen allele CA396469387.

ClinVar aggregate classification (germline): Uncertain significance. Review status: criteria provided, multiple submitters, no conflicts (2 of 4 stars). 2 submissions from 2 submitters: Uncertain significance (2). Last evaluated 2025-04-07.

Conditions:
Hereditary cancer-predisposing syndrome. Also called: Hereditary neoplastic syndrome; Tumor predisposition; Hereditary Cancer Syndrome; Neoplastic Syndromes, Hereditary. Identifiers: Orphanet 140162, MedGen C0027672, MeSH D009386, MONDO:0015356.
Hereditary diffuse gastric adenocarcinoma (HDGC). Also called: DIFFUSE GASTRIC AND LOBULAR BREAST CANCER SYNDROME. Identifiers: Orphanet 26106, MedGen C1708349, MONDO:0007648, OMIM 137215.

Submissions (2):

Labcorp Genetics (formerly Invitae), Labcorp
Classification: Uncertain significance for Hereditary diffuse gastric adenocarcinoma. Last evaluated: 2025-04-07. Review status: criteria provided, single submitter. Criteria: Invitae Variant Classification Sherloc (09022015). Collection method: clinical testing. Allele origin: germline.
Comment: This sequence change replaces leucine, which is neutral and non-polar, with proline, which is neutral and non-polar, at codon 729 of the CDH1 protein (p.Leu729Pro). This variant is not present in population databases (gnomAD no frequency). This variant has not been reported in the literature in individuals affected with CDH1-related conditions. ClinVar contains an entry for this variant (Variation ID: 576730). An algorithm developed to predict the effect of missense changes on protein structure and function (PolyPhen-2) suggests that this variant is likely to be disruptive. In summary, the available evidence is currently insufficient to determine the role of this variant in disease. Therefore, it has been classified as a Variant of Uncertain Significance.

Ambry Genetics
Classification: Uncertain significance for Hereditary cancer-predisposing syndrome. Last evaluated: 2022-06-28. Review status: criteria provided, single submitter. Criteria: Ambry Variant Classification Scheme 2023. Collection method: clinical testing. Allele origin: germline.
Comment: The p.L729P variant (also known as c.2186T>C), located in coding exon 14 of the CDH1 gene, results from a T to C substitution at nucleotide position 2186. The leucine at codon 729 is replaced by proline, an amino acid with similar properties. This amino acid position is conserved. In addition, the in silico prediction for this alteration is inconclusive. Since supporting evidence is limited at this time, the clinical significance of this alteration remains unclear.